The following is an entry in ClinVar:

NM_001034853.2(RPGR):c.2586_2587del (p.Glu863fs)

Gene: RPGR (retinitis pigmentosa GTPase regulator; minus strand). Cytogenetic location: Xp11.4.
Variant type: Deletion.
Coding change: c.2586_2587del on transcript NM_001034853.2 (MANE Select); coding-DNA positions 2586 to 2587, 2 bases deleted (GG; older notation c.2586_2587delGG).
Protein change: p.Glu863fs; shifts the reading frame from glutamic acid 863.
Molecular consequence: frameshift variant. On other transcripts: intron variant (8).
Genome position (GRCh38, 1-based): chrX:38,286,412-38,286,413, CC deleted on the plus strand (GG on the coding strand, the reverse complement: RPGR is on the minus strand); deleting any 2 consecutive bases within chrX:38,286,412-38,286,415 gives the same sequence; the c. name uses the placement nearest the transcript's 3' end. VCF-style (leftmost placement, unchanged base first): chrX-38286411-TCC-T. GRCh37 (hg19) VCF-style: chrX-38145664-TCC-T.
Other names: c.1386+4546_1386+4547del (NM_001367251.1); c.1719+681_1719+682del (NM_001367246.1); c.1572+4546_1572+4547del (NM_001367247.1); c.1905+681_1905+682del (NM_000328.3); c.1602+4546_1602+4547del (NM_001367248.1); c.1569+4546_1569+4547del (NM_001367249.1, NM_001367250.1); c.1902+681_1902+682del (NM_001367245.1); short protein forms E863fs.
Identifiers: ClinVar variation 1048168 (VCV001048168.10), dbSNP rs2067170858, ClinGen allele CA1132420456.

ClinVar aggregate classification (germline): Conflicting classifications of pathogenicity. Review status: criteria provided, conflicting classifications (1 of 4 stars). 4 submissions from 4 submitters: Pathogenic (1); Likely pathogenic (2); Uncertain significance (1). Last evaluated 2024-08-01.

Conditions:
Retinitis pigmentosa 3. Also called: CHOROIDORETINAL DEGENERATION WITH RETINAL REFLEX IN HETEROZYGOUS WOMEN. Identifiers: Orphanet 791, MedGen C1845667, MONDO:0010227, OMIM 300029.
Primary ciliary dyskinesia. Also called: Ciliary dyskinesia. Identifiers: Orphanet 244, MedGen C0008780, MONDO:0016575, HP:0012265.

Submissions (4):

Labcorp Genetics (formerly Invitae), Labcorp
Classification: Pathogenic for Primary ciliary dyskinesia. Last evaluated: 2024-08-01. Review status: criteria provided, single submitter. Criteria: Invitae Variant Classification Sherloc (09022015). Collection method: clinical testing. Allele origin: germline.
Comment: This sequence change creates a premature translational stop signal (p.Glu863Argfs*215) in the RPGR (ORF15) gene. While this is not anticipated to result in nonsense mediated decay, it is expected to disrupt the last 290 amino acid(s) of the RPGR (ORF15) protein. The frequency data for this variant in the population databases is considered unreliable, as metrics indicate insufficient coverage at this position in the gnomAD database. This premature translational stop signal has been observed in individual(s) with retinitis pigmentosa (PMID: 11754050). This variant is also known as g.ORF15 + 833-834delGG. ClinVar contains an entry for this variant (Variation ID: 1048168). This variant disrupts a region of the RPGR (ORF15) protein in which other variant(s) (p.Leu1130Lysfs*13) have been determined to be pathogenic (PMID: 22264887; Invitae). This suggests that this is a clinically significant region of the protein, and that variants that disrupt it are likely to be disease-causing. For these reasons, this variant has been classified as Pathogenic.

GeneDx
Classification: Likely pathogenic. Last evaluated: 2023-06-26. Review status: criteria provided, single submitter. Criteria: GeneDx Variant Classification Process June 2021. Collection method: clinical testing. Allele origin: germline. Affected: yes.
Comment: Reported in a family with X-linked retinitis pigmentosa in the literature; described as g.ORF15 + 833-834delGG using alternate nomenclature (Yokoyama et al., 2001); Frameshift variant predicted to result in protein truncation, as the last 290 amino acids are replaced with 214 different amino acids, and other loss-of-function variants have been reported downstream at GeneDx; Not observed at significant frequency in large population cohorts (gnomAD); This variant is associated with the following publications: (PMID: 11754050)

DBGen Ocular Genomics
Classification: Uncertain significance for Retinitis pigmentosa 3. Last evaluated: 2021-06-23. Review status: criteria provided, single submitter. Criteria: ACMG Guidelines, 2015. Collection method: clinical testing. Allele origin: germline. Affected: yes. Observed: 1 variant allele.

Institute of Medical Molecular Genetics, University of Zurich
Classification: Likely pathogenic for Retinitis pigmentosa 3. Last evaluated: 2021-01-30. Review status: criteria provided, single submitter. Criteria: ACMG Guidelines, 2015. Collection method: clinical testing. Allele origin: unknown. Affected: yes.

Literature cited by the submitters: PubMed 11754050 (cited by Labcorp Genetics (formerly Invitae), Labcorp); PubMed 22264887 (cited by Labcorp Genetics (formerly Invitae), Labcorp).